The following is an entry in ClinVar:

ClinVar aggregate classification (germline): Uncertain significance. Review status: criteria provided, multiple submitters, no conflicts (2 of 4 stars). 6 submissions from 2 submitters: Uncertain significance (6). Last evaluated 2019-06-20.

Conditions:
Dilated cardiomyopathy 1G (CMD1G). Identifiers: Orphanet 154, MedGen C1858763, MONDO:0011400, OMIM 604145.
Myopathy, myofibrillar, 9, with early respiratory failure (MFM9). Also called: Myopathy, distal, with early respiratory failure, autosomal dominant; Hereditary myopathy with early respiratory failure; EDSTROM MYOPATHY; MYOPATHY, PROXIMAL, WITH EARLY RESPIRATORY MUSCLE INVOLVEMENT. Identifiers: Orphanet 178464, Orphanet 34521, MedGen C1863599, MONDO:0011362, OMIM 603689.
Tibial muscular dystrophy (TMD). Also called: Udd Distal Myopathy – Tibial Muscular Dystrophy; UDD MYOPATHY; Tibial muscular dystrophy, tardive. Identifiers: Orphanet 609, MedGen C1838244, MONDO:0010870, OMIM 600334.
Autosomal recessive limb-girdle muscular dystrophy type 2J (LGMDR10). Also called: MUSCULAR DYSTROPHY, LIMB-GIRDLE, AUTOSOMAL RECESSIVE 10; Limb-girdle muscular dystrophy, type 2J. Identifiers: Orphanet 140922, MedGen C1837342, MONDO:0012127, OMIM 608807.
Early-onset myopathy with fatal cardiomyopathy (CMYO5). Also called: CONGENITAL MYOPATHY 5 WITH CARDIOMYOPATHY; Salih Myopathy. Identifiers: Orphanet 289377, MedGen C2673677, MONDO:0012714, OMIM 611705. Disease mechanism: loss of function.

Allele frequency attached by ClinVar (database versions not stated): gnomAD exomes below 0.00001; TOPMed below 0.00001.
gnomAD v4.1: 4 of 1,574,170 alleles (0.00025%); highest among the groups gnomAD compares: Admixed American, 0.0056%; no homozygotes.

Submissions (6):

GeneDx
Classification: Uncertain significance. Last evaluated: 2019-06-20. Review status: criteria provided, single submitter. Criteria: GeneDx Variant Classification Process June 2021. Collection method: clinical testing. Allele origin: germline. Affected: yes.
Comment: Not observed in large population cohorts (Lek et al., 2016); Missense variant in a gene in which most reported pathogenic variants are truncating/loss-of-function; Has not been previously published as pathogenic or benign to our knowledge; In silico analysis, which includes splice predictors and evolutionary conservation, supports that this variant does not alter protein structure/function

Illumina Laboratory Services, Illumina
Classification: Uncertain significance for Early-onset myopathy with fatal cardiomyopathy. Last evaluated: 2018-01-13. Review status: criteria provided, single submitter. Criteria: ICSL Variant Classification Criteria 13 December 2019. Collection method: clinical testing. Allele origin: germline.

Illumina Laboratory Services, Illumina
Classification: Uncertain significance for Myopathy, myofibrillar, 9, with early respiratory failure. Last evaluated: 2018-01-13. Review status: criteria provided, single submitter. Criteria: ICSL Variant Classification Criteria 13 December 2019. Collection method: clinical testing. Allele origin: germline.

Illumina Laboratory Services, Illumina
Classification: Uncertain significance for Tibial muscular dystrophy. Last evaluated: 2018-01-13. Review status: criteria provided, single submitter. Criteria: ICSL Variant Classification Criteria 13 December 2019. Collection method: clinical testing. Allele origin: germline.

Illumina Laboratory Services, Illumina
Classification: Uncertain significance for Dilated cardiomyopathy 1G. Last evaluated: 2018-01-13. Review status: criteria provided, single submitter. Criteria: ICSL Variant Classification Criteria 13 December 2019. Collection method: clinical testing. Allele origin: germline.

Illumina Laboratory Services, Illumina
Classification: Uncertain significance for Autosomal recessive limb-girdle muscular dystrophy type 2J. Last evaluated: 2018-01-13. Review status: criteria provided, single submitter. Criteria: ICSL Variant Classification Criteria 13 December 2019. Collection method: clinical testing. Allele origin: germline.

NM_001267550.2(TTN):c.91871T>C (p.Val30624Ala)

Genes: TTN (titin; minus strand), TTN-AS1 (TTN antisense RNA 1; plus strand). Cytogenetic location: 2q31.2.
Variant type: single nucleotide variant.
Coding change: c.91871T>C on transcript NM_001267550.2 (MANE Select); coding-DNA position 91871, T replaced by C.
Protein change: p.Val30624Ala; replaces valine 30624 with alanine.
Molecular consequence: missense variant.
Genome position (GRCh38, 1-based): chr2:178,549,851, A>G on the plus strand (T>C on the coding strand, the complement: TTN is on the minus strand). VCF-style: chr2-178549851-A-G. GRCh37 (hg19) VCF-style: chr2-179414578-A-G.
Other names: c.86948T>C, p.Val28983Ala (NM_001256850.1); c.64676T>C, p.Val21559Ala (NM_003319.4); c.84167T>C, p.Val28056Ala (NM_133378.4); c.65051T>C, p.Val21684Ala (NM_133432.3); c.65252T>C, p.Val21751Ala (NM_133437.4); short protein forms V30624A, V28056A, V21751A, V28983A, V21559A, V21684A.
Identifiers: ClinVar variation 332730 (VCV000332730.6), dbSNP rs886055231, ClinGen allele CA10611603.